The following is an entry in ClinVar:

NM_016628.5(WAC):c.1804T>A (p.Cys602Ser)

Gene: WAC (WW domain containing adaptor with coiled-coil; plus strand). Cytogenetic location: 10p12.1.
Variant type: single nucleotide variant.
Coding change: c.1804T>A on transcript NM_016628.5 (MANE Select); coding-DNA position 1804, T replaced by A.
Protein change: p.Cys602Ser; replaces cysteine 602 with serine.
Molecular consequence: missense variant.
Genome position (GRCh38, 1-based): chr10:28,617,714, T>A. VCF-style: chr10-28617714-T-A. GRCh37 (hg19) VCF-style: chr10-28906643-T-A.
Other names: c.1669T>A, p.Cys557Ser (NM_100264.3); c.1495T>A, p.Cys499Ser (NM_100486.4); short protein forms C499S, C557S, C602S.
Identifiers: ClinVar variation 2631198 (VCV002631198.1), dbSNP rs2492226629, ClinGen allele CA376406198.

ClinVar aggregate classification (germline): Uncertain significance (1 of 4 stars; one submission).

Conditions:
WAC-related disorder. Also called: WAC-related condition.

Submission:

PreventionGenetics, part of Exact Sciences
Classification: Uncertain significance for WAC-related condition. Last evaluated: 2023-08-03. Review status: criteria provided, single submitter. Criteria: ACMG Guidelines, 2015. Collection method: clinical testing. Allele origin: germline.
Comment: The WAC c.1804T>A variant is predicted to result in the amino acid substitution p.Cys602Ser. To our knowledge, this variant has not been reported in the literature or in a large population database, indicating this variant is rare. At this time, the clinical significance of this variant is uncertain due to the absence of conclusive functional and genetic evidence.